The following is an entry in ClinVar:

NM_015559.3(SETBP1):c.1051G>T (p.Asp351Tyr)

Gene: SETBP1 (SET binding protein 1; plus strand). Cytogenetic location: 18q12.3.
Variant type: single nucleotide variant.
Coding change: c.1051G>T on transcript NM_015559.3 (MANE Select); coding-DNA position 1051, G replaced by T.
Protein change: p.Asp351Tyr; replaces aspartic acid 351 with tyrosine.
Molecular consequence: missense variant.
Genome position (GRCh38, 1-based): chr18:44,950,391, G>T. VCF-style: chr18-44950391-G-T. GRCh37 (hg19) VCF-style: chr18-42530356-G-T.
Other names: c.1051G>T, p.Asp351Tyr (NM_001379141.1, NM_001379142.1); c.1051G>T (NM_015559.2); short protein forms D351Y.
Identifiers: ClinVar variation 1397425 (VCV001397425.8), dbSNP rs370610721, ClinGen allele CA8945540.
Genomic context (GRCh38, chr18:44,950,391, plus strand): 5'-GTGGGCAGCAAGAAAAAGTCCAGTAAAAAAGATGTGATAAGTCAGACCATACCAAACCCA[G>T]ACCTGGATTGGGTCAAGAATGCCCAGAAAGCATTTGACAATACAGAAGGGAAAAGGGAAG-3'
Protein context (NP_056374.2, residues 341-361): DVISQTIPNP[Asp351Tyr]LDWVKNAQKA

ClinVar aggregate classification (germline): Uncertain significance. Review status: criteria provided, multiple submitters, no conflicts (2 of 4 stars). 3 submissions from 3 submitters: Uncertain significance (3). Last evaluated 2024-12-23.

Conditions:
Inborn genetic diseases. Identifiers: MedGen C0950123, MeSH D030342.
Schinzel-Giedion syndrome (SGS). Identifiers: Orphanet 798, MedGen C0265227, MONDO:0010010, OMIM 269150.

Allele frequency attached by ClinVar (database versions not stated): gnomAD exomes below 0.00001; ExAC 0.00001; gnomAD 0.00001; TOPMed 0.00001; ESP Exome Variant Server 0.00008.
gnomAD v4.1: 8 of 1,613,986 alleles (0.0005%); highest among the groups gnomAD compares: Admixed American, 0.0017%; no homozygotes.

Submissions (3):

Ambry Genetics
Classification: Uncertain significance for Inborn genetic diseases. Last evaluated: 2024-12-23. Review status: criteria provided, single submitter. Criteria: Ambry Variant Classification Scheme 2023. Collection method: clinical testing. Allele origin: germline.

Pittsburgh Clinical Genomics Laboratory, University of Pittsburgh Medical Center
Classification: Uncertain significance for Schinzel-Giedion syndrome. Last evaluated: 2024-04-26. Review status: criteria provided, single submitter. Criteria: ACMG Guidelines, 2015. Collection method: clinical testing. Allele origin: germline. Inheritance: Autosomal dominant inheritance. Affected: yes.
Comment: This sequence variant is a single nucleotide substitution (G>T) at position 1051 of the coding sequence of the SETBP1 gene that results in an aspartic acid to tyrosine amino acid change at residue 351 of SET binding protein 1. This is a previously reported variant (ClinVar 1397425) that has not been observed in individuals affected by a SETBP1-related disorder in the published literature, to our knowledge. This variant is present in 8 of 1613986 alleles (0.0005%) in the gnomAD v4.0.0 population dataset. Bioinformatic tools are inconclusive if this amino acid change will be damaging or tolerated, and the Asp351 residue at this position is highly conserved across the vertebrate species examined. Studies examining the functional consequence of this variant have not been published, to our knowledge. At this time, there is insufficient evidence to determine if this variant is pathogenic or benign. Therefore, we consider this a variant of uncertain significance. ACMG Criteria: PM2

Labcorp Genetics (formerly Invitae), Labcorp
Classification: Uncertain significance. Last evaluated: 2023-06-18. Review status: criteria provided, single submitter. Criteria: Invitae Variant Classification Sherloc (09022015). Collection method: clinical testing. Allele origin: germline.
Comment: In summary, the available evidence is currently insufficient to determine the role of this variant in disease. Therefore, it has been classified as a Variant of Uncertain Significance. Advanced modeling of protein sequence and biophysical properties (such as structural, functional, and spatial information, amino acid conservation, physicochemical variation, residue mobility, and thermodynamic stability) performed at Invitae indicates that this missense variant is not expected to disrupt SETBP1 protein function. ClinVar contains an entry for this variant (Variation ID: 1397425). This variant has not been reported in the literature in individuals affected with SETBP1-related conditions. This variant is present in population databases (rs370610721, gnomAD 0.0009%). This sequence change replaces aspartic acid, which is acidic and polar, with tyrosine, which is neutral and polar, at codon 351 of the SETBP1 protein (p.Asp351Tyr).